The following is an entry in ClinVar:

NM_134424.4(RAD52):c.84+1G>A

Gene: RAD52 (RAD52 DNA repair protein; minus strand). Cytogenetic location: 12p13.33.
Variant type: single nucleotide variant.
Coding change: c.84+1G>A on transcript NM_134424.4 (MANE Select); the canonical splice donor site of the intron after coding-DNA position 84, G replaced by A.
Molecular consequence: splice donor variant. On other transcripts: intron variant (1).
Genome position (GRCh38, 1-based): chr12:932,974, C>T on the plus strand (G>A on the coding strand, the complement: RAD52 is on the minus strand). VCF-style: chr12-932974-C-T. GRCh37 (hg19) VCF-style: chr12-1042140-C-T.
Other names: c.84+1G>A (NM_001297419.1, NM_001297422.2, NM_001297420.1); c.-45-2830G>A (NM_001297421.2).
Identifiers: ClinVar variation 4687849 (VCV004687849.1).

ClinVar aggregate classification (germline): Uncertain significance (1 of 4 stars; one submission).

Conditions:
Pilocytic astrocytoma. Also called: Pilocytic astrocytoma, somatic. Identifiers: Orphanet 251612, MedGen C0334583, MONDO:0016691, HP:0033680.

Submission:

Laboratory of Medical Genetics Unit, Bambino Gesù Children's Hospital
Classification: Uncertain significance for Pilocytic astrocytoma. Review status: criteria provided, single submitter. Criteria: ACMG Guidelines, 2015. Collection method: research. Allele origin: germline. Affected: yes.
Comment: The variant NM_134424.3 (RAD52): c.84+1G>A is not reported in GnomAD, in literature and in Clinvar. It is classified as VUS following the ACMG criteria (PM2).